The following is an entry in ClinVar:

NM_000069.3(CACNA1S):c.1828-3C>T

Gene: CACNA1S (calcium voltage-gated channel subunit alpha1 S; minus strand). Cytogenetic location: 1q32.1.
Variant type: single nucleotide variant.
Coding change: c.1828-3C>T on transcript NM_000069.3 (MANE Select); 3 bases into the intron before coding-DNA position 1828, C replaced by T.
Molecular consequence: intron variant.
Genome position (GRCh38, 1-based): chr1:201,075,618, G>A on the plus strand (C>T on the coding strand, the complement: CACNA1S is on the minus strand). VCF-style: chr1-201075618-G-A. GRCh37 (hg19) VCF-style: chr1-201044746-G-A.
Identifiers: ClinVar variation 1038671 (VCV001038671.11), dbSNP rs1445072481, ClinGen allele CA1011168854.
Genomic context (GRCh38, chr1:201,075,618, plus strand): 5'-CGCCGTAGGCCATGATCCCATTGTACATCATTGAGGTCCAGTCTTCCCCTGTCAGTACCT[G>A]TATGGAGGGAGGATAGAGGGCTCGGGAACACAGAGGGGCCTGAGAGTCTTCTATTGGGAC-3'

ClinVar aggregate classification (germline): Uncertain significance (1 of 4 stars; one submission).

Conditions:
Hypokalemic periodic paralysis, type 1. Also called: HypoPP; Hypokalemic Periodic Paralysis Type 1 (AD). Identifiers: Orphanet 681, MedGen C3714580, MONDO:0042979, OMIM 170400.
Malignant hyperthermia, susceptibility to, 5 (MHS5). Also called: CACNA1S-Related Malignant Hyperthermia Susceptibility. Identifiers: Orphanet 423, MedGen C1866077, MONDO:0011163, OMIM 601887.

Allele frequency attached by ClinVar (database versions not stated): TOPMed below 0.00001; gnomAD 0.00001.
gnomAD v4.1: 1 of 1,613,944 alleles (0.000062%); highest among the groups gnomAD compares: African/African-American, 0.0013%; no homozygotes.

Submission:

Labcorp Genetics (formerly Invitae), Labcorp
Classification: Uncertain significance for Hypokalemic periodic paralysis, type 1; Malignant hyperthermia, susceptibility to, 5. Last evaluated: 2022-09-07. Review status: criteria provided, single submitter. Criteria: Invitae Variant Classification Sherloc (09022015). Collection method: clinical testing. Allele origin: germline.
Comment: This sequence change falls in intron 12 of the CACNA1S gene. It does not directly change the encoded amino acid sequence of the CACNA1S protein. It affects a nucleotide within the consensus splice site. In summary, the available evidence is currently insufficient to determine the role of this variant in disease. Therefore, it has been classified as a Variant of Uncertain Significance. Variants that disrupt the consensus splice site are a relatively common cause of aberrant splicing (PMID: 17576681, 9536098). Algorithms developed to predict the effect of sequence changes on RNA splicing suggest that this variant is not likely to affect RNA splicing. ClinVar contains an entry for this variant (Variation ID: 1038671). This variant has not been reported in the literature in individuals affected with CACNA1S-related conditions. This variant is not present in population databases (gnomAD no frequency).

Literature cited by the submitters: PubMed 17576681; PubMed 9536098.